The following is an entry in ClinVar:

ClinVar aggregate classification (germline): Likely pathogenic (1 of 4 stars; one submission).

Conditions:
Hereditary cancer-predisposing syndrome. Also called: Hereditary Cancer Syndrome; Hereditary neoplastic syndrome; Neoplastic Syndromes, Hereditary; Tumor predisposition. Identifiers: Orphanet 140162, MedGen C0027672, MeSH D009386, MONDO:0015356.

Submission:

Ambry Genetics
Classification: Likely pathogenic for Hereditary cancer-predisposing syndrome. Last evaluated: 2022-02-09. Review status: criteria provided, single submitter. Criteria: Ambry Variant Classification Scheme 2023. Collection method: clinical testing. Allele origin: germline.
Comment: The c.9delA variant, located in coding exon 1 of the NBN gene, results from a deletion of one nucleotide at nucleotide position 9, causing a translational frameshift with a predicted alternate stop codon (p.K3Nfs*17). The predicted stop codon occurs in the 5&rsquo; end of theNBN gene. Premature termination codons in the 5&rsquo; end of a gene have been reported to escape nonsense-mediated mRNAdecay and/or lead to re-initiation (Rivas et al. Science. 2015 May 8;348(6235):666-9; Lindeboom et al. Nat Genet. 2016 Oct;48(10):1112-8; Rhee et al. Sci Rep. 2017 May 10;7(1):1653). Direct evidence for this alteration is unavailable, however premature termination codons are typically deleterious in nature. This variant is considered to be rare based on population cohorts in the Genome Aggregation Database (gnomAD). Based on the majority of available evidence to date, this variant is likely to be pathogenic.

NM_002485.5(NBN):c.9del (p.Lys3fs)

Gene: NBN (nibrin; minus strand). Cytogenetic location: 8q21.3.
Variant type: Deletion.
Coding change: c.9del on transcript NM_002485.5 (MANE Select); coding-DNA position 9, one base deleted (A; older notation c.9delA).
Protein change: p.Lys3fs; shifts the reading frame from lysine 3.
Molecular consequence: frameshift variant. On other transcripts: 5 prime UTR variant (1).
Genome position (GRCh38, 1-based): chr8:89,984,553, T deleted on the plus strand (A on the coding strand, the reverse complement: NBN is on the minus strand); the first of 3 consecutive T bases (chr8:89,984,553-89,984,555); deleting any one gives the same sequence. VCF-style (leftmost placement, unchanged base first): chr8-89984552-GT-G. GRCh37 (hg19) VCF-style: chr8-90996780-GT-G.
Other names: c.-288del (NM_001024688.3); c.9delA (NM_002485.4); short protein forms K3fs.
Identifiers: ClinVar variation 1768927 (VCV001768927.2), dbSNP rs2488380221, ClinGen allele CA2580079461.
Genomic context (GRCh38, chr8:89,984,552, plus strand): 5'-AAATAGGCCCCGAGGCTTCCCTTCTGCCCTTACCTCCTGCCGGGCCCGCGGCGGGCAGCA[GT>G]TTCCACATCGGTCCGGCTCCTCAGGGCTGGGGCCGACGTGCAACCGCGTAACCGGGGCTG-3'